The following is an entry in ClinVar:

NM_001035.3(RYR2):c.4607G>T (p.Ser1536Ile)

Gene: RYR2 (ryanodine receptor 2; plus strand). Cytogenetic location: 1q43.
Variant type: single nucleotide variant.
Coding change: c.4607G>T on transcript NM_001035.3 (MANE Select); coding-DNA position 4607, G replaced by T.
Protein change: p.Ser1536Ile; replaces serine 1536 with isoleucine.
Molecular consequence: missense variant.
Genome position (GRCh38, 1-based): chr1:237,602,035, G>T. VCF-style: chr1-237602035-G-T. GRCh37 (hg19) VCF-style: chr1-237765335-G-T.
Other names: short protein forms S1536I.
Identifiers: ClinVar variation 1332140 (VCV001332140.3), dbSNP rs2148510905, ClinGen allele CA345401541.
Genomic context (GRCh38, chr1:237,602,035, plus strand): 5'-CTTGTCTTGTTTCATTACTAACATTATTAAATTCATTAAATGTATTTCAGGTGGAACCGA[G>T]TACAAAATTATTTCCTGCGGTTTTTGCACAAGCTACAAGTCCCAATGTTTTCCAGTTTGA-3'
Protein context (NP_001026.2, residues 1526-1546): ELSTYYQVEP[Ser1536Ile]TKLFPAVFAQ

ClinVar aggregate classification (germline): Uncertain significance (1 of 4 stars; one submission).

Conditions:
Cardiomyopathy (CMYO). Also called: Cardiomyopathies. Identifiers: Orphanet 167848, MedGen C0878544, MONDO:0004994, HP:0001638. Inheritance: Various modes of inheritance.

gnomAD v4.1: 1 of 1,612,028 alleles (0.000062%); highest among the groups gnomAD compares: Non-Finnish European, 0.000085%; no homozygotes.

Submission:

Color Diagnostics, LLC DBA Color Health
Classification: Uncertain significance for Cardiomyopathy. Last evaluated: 2024-03-06. Review status: criteria provided, single submitter. Criteria: ACMG Guidelines, 2015. Collection method: clinical testing. Allele origin: germline.
Comment: This missense variant replaces serine with isoleucine at codon 1536 of the RYR2 protein. Computational prediction suggests that this variant may not impact protein structure and function (internally defined REVEL score threshold <= 0.5, PMID: 27666373). To our knowledge, functional studies have not been reported for this variant. This variant has not been reported in individuals affected with cardiovascular disorders in the literature. This variant has not been identified in the general population by the Genome Aggregation Database (gnomAD). The available evidence is insufficient to determine the role of this variant in disease conclusively. Therefore, this variant is classified as a Variant of Uncertain Significance.